The following is an entry in ClinVar:

NM_003114.5(SPAG1):c.2515A>T (p.Met839Leu)

Gene: SPAG1 (sperm associated antigen 1; plus strand). Cytogenetic location: 8q22.2.
Variant type: single nucleotide variant.
Coding change: c.2515A>T on transcript NM_003114.5 (MANE Select); coding-DNA position 2515, A replaced by T.
Protein change: p.Met839Leu; replaces methionine 839 with leucine.
Molecular consequence: missense variant.
Genome position (GRCh38, 1-based): chr8:100,240,637, A>T. VCF-style: chr8-100240637-A-T. GRCh37 (hg19) VCF-style: chr8-101252865-A-T.
Other names: p.Met839Leu; c.2515A>T, p.Met839Leu (NM_001374321.1, NM_172218.3); short protein forms M839L.
Identifiers: ClinVar variation 411000 (VCV000411000.12), dbSNP rs142674953, ClinGen allele CA4827764.
Genomic context (GRCh38, chr8:100,240,637, plus strand): 5'-AGGAAGGATAAAGAAGCCTGTGCACATCTTTTAGCCATCACTGCACCAAAAGATTTGCCG[A>T]TGTTTTTAAGTAACAAACTTGAAGGGGATACATTCCTTCTCCTCATTCAGTCTCTGAAAA-3'
Protein context (NP_003105.2, residues 829-849): LAITAPKDLP[Met839Leu]FLSNKLEGDT

ClinVar aggregate classification (germline): Conflicting classifications of pathogenicity. Review status: criteria provided, conflicting classifications (1 of 4 stars). 6 submissions from 6 submitters: Uncertain significance (5); Likely benign (1). Last evaluated 2025-06-13.

Conditions:
Primary ciliary dyskinesia 28. Also called: CILIARY DYSKINESIA, PRIMARY, 28, WITH OR WITHOUT SITUS INVERSUS. Identifiers: Orphanet 244, MedGen C3809706, MONDO:0014216, OMIM 615505.
Primary ciliary dyskinesia. Also called: Ciliary dyskinesia. Identifiers: Orphanet 244, MedGen C0008780, MONDO:0016575, HP:0012265.

Allele frequency attached by ClinVar (database versions not stated): ExAC 0.00009; gnomAD exomes 0.00015; gnomAD 0.00017; TOPMed 0.00021; ESP Exome Variant Server 0.00038.
gnomAD v4.1: 657 of 1,614,066 alleles (0.041%); highest among the groups gnomAD compares: Non-Finnish European, 0.051%; no homozygotes.

Submissions (7):

ARUP Laboratories, Molecular Genetics and Genomics, ARUP Laboratories
Classification: Uncertain significance for Primary ciliary dyskinesia 28. Last evaluated: 2025-06-13. Review status: criteria provided, single submitter. Criteria: ARUP Molecular Germline Variant Investigation Process 2024. Collection method: clinical testing. Allele origin: germline.
Comment: The SPAG1 c.2515A>T; p.Met839Leu variant (rs142674953), to our knowledge, is not reported in the medical literature but is reported in ClinVar (Variation ID: 411000). This variant is found in the non-Finnish European population with an allele frequency of 0.03% (39/129,056 alleles) in the Genome Aggregation Database (v2.1.1). Computational analyses predict that this variant is neutral (REVEL: 0.037). However, given the lack of clinical and functional data, the significance of this variant is uncertain at this time.

Mayo Clinic Laboratories, Mayo Clinic
Classification: Uncertain significance. Last evaluated: 2025-02-13. Review status: criteria provided, single submitter. Criteria: ACMG Guidelines, 2015. Collection method: clinical testing. Allele origin: germline. Observed: 1 variant allele.
Comment: BP4

Ambry Genetics
Classification: Uncertain significance for Primary ciliary dyskinesia. Last evaluated: 2024-06-18. Review status: criteria provided, single submitter. Criteria: Ambry Variant Classification Scheme 2023. Collection method: clinical testing. Allele origin: germline.
Comment: The p.M839L variant (also known as c.2515A>T), located in coding exon 17 of the SPAG1 gene, results from an A to T substitution at nucleotide position 2515. The methionine at codon 839 is replaced by leucine, an amino acid with highly similar properties. This amino acid position is poorly conserved in available vertebrate species. In addition, this alteration is predicted to be tolerated by in silico analysis. Since supporting evidence is limited at this time, the clinical significance of this alteration remains unclear.

Labcorp Genetics (formerly Invitae), Labcorp
Classification: Uncertain significance for Primary ciliary dyskinesia 28. Last evaluated: 2024-05-08. Review status: criteria provided, single submitter. Criteria: Invitae Variant Classification Sherloc (09022015). Collection method: clinical testing. Allele origin: germline.
Comment: This sequence change replaces methionine, which is neutral and non-polar, with leucine, which is neutral and non-polar, at codon 839 of the SPAG1 protein (p.Met839Leu). This variant is present in population databases (rs142674953, gnomAD 0.03%). This variant has not been reported in the literature in individuals affected with SPAG1-related conditions. ClinVar contains an entry for this variant (Variation ID: 411000). Advanced modeling of protein sequence and biophysical properties (such as structural, functional, and spatial information, amino acid conservation, physicochemical variation, residue mobility, and thermodynamic stability) performed at Invitae indicates that this missense variant is not expected to disrupt SPAG1 protein function with a negative predictive value of 80%. In summary, the available evidence is currently insufficient to determine the role of this variant in disease. Therefore, it has been classified as a Variant of Uncertain Significance.

Blueprint Genetics
Classification: Likely benign. Last evaluated: 2024-04-11. Review status: criteria provided, single submitter. Criteria: ACMG Guidelines, 2015. Collection method: clinical testing. Allele origin: germline.

Fulgent Genetics
Classification: Uncertain significance for Primary ciliary dyskinesia 28. Last evaluated: 2021-10-19. Review status: criteria provided, single submitter. Criteria: ACMG Guidelines, 2015. Collection method: clinical testing. Allele origin: unknown.

Dr. Peter K. Rogan Lab, Western University
No classification provided (evidence only). Condition: Gastric cancer. Review status: no classification provided. Collection method: in vitro. Allele origin: not applicable. Functional consequence: retained intron. Not counted in ClinVar's aggregate classification.